The following is an entry in ClinVar:

ClinVar aggregate classification (germline): Conflicting classifications of pathogenicity. Review status: criteria provided, conflicting classifications (1 of 4 stars). 5 submissions from 4 submitters: Uncertain significance (4); Likely benign (1). Last evaluated 2024-01-29.

Conditions:
Fibrochondrogenesis 2 (FBCG2). Identifiers: Orphanet 2021, MedGen C3281128, MONDO:0013795, OMIM 614524.
Otospondylomegaepiphyseal dysplasia, autosomal recessive (OSMEDB). Also called: Insley-Astley syndrome; CHONDRODYSTROPHY WITH SENSORINEURAL DEAFNESS. Identifiers: Orphanet 1427, MedGen CN034493, MONDO:0044206, OMIM 215150.

Allele frequency attached by ClinVar (database versions not stated): ExAC 0.00001; gnomAD exomes 0.00002.
gnomAD v4.1: 6 of 1,612,650 alleles (0.00037%); highest among the groups gnomAD compares: East Asian, 0.0067%; no homozygotes.

Submissions (5):

Labcorp Genetics (formerly Invitae), Labcorp
Classification: Likely benign. Last evaluated: 2024-01-29. Review status: criteria provided, single submitter. Criteria: Invitae Variant Classification Sherloc (09022015). Collection method: clinical testing. Allele origin: germline.

GeneDx
Classification: Uncertain significance. Last evaluated: 2021-11-01. Review status: criteria provided, single submitter. Criteria: GeneDx Variant Classification Process June 2021. Collection method: clinical testing. Allele origin: germline. Affected: yes.
Comment: Has not been previously published as pathogenic or benign to our knowledge; Not observed at significant frequency in large population cohorts (Lek et al., 2016); In silico analysis supports that this missense variant has a deleterious effect on protein structure/function

Blueprint Genetics
Classification: Uncertain significance. Last evaluated: 2019-09-25. Review status: criteria provided, single submitter. Criteria: ACMG Guidelines, 2015. Collection method: clinical testing. Allele origin: germline.

Illumina Laboratory Services, Illumina
Classification: Uncertain significance for Otospondylomegaepiphyseal dysplasia, autosomal recessive. Last evaluated: 2018-01-13. Review status: criteria provided, single submitter. Criteria: ICSL Variant Classification Criteria 13 December 2019. Collection method: clinical testing. Allele origin: germline.

Illumina Laboratory Services, Illumina
Classification: Uncertain significance for Fibrochondrogenesis 2. Last evaluated: 2018-01-13. Review status: criteria provided, single submitter. Criteria: ICSL Variant Classification Criteria 13 December 2019. Collection method: clinical testing. Allele origin: germline.

NM_080680.3(COL11A2):c.2848C>T (p.Pro950Ser)

Gene: COL11A2 (collagen type XI alpha 2 chain; minus strand). Cytogenetic location: 6p21.32.
Variant type: single nucleotide variant.
Coding change: c.2848C>T on transcript NM_080680.3 (MANE Select); coding-DNA position 2848, C replaced by T.
Protein change: p.Pro950Ser; replaces proline 950 with serine.
Molecular consequence: missense variant.
Genome position (GRCh38, 1-based): chr6:33,172,580, G>A on the plus strand (C>T on the coding strand, the complement: COL11A2 is on the minus strand). VCF-style: chr6-33172580-G-A. GRCh37 (hg19) VCF-style: chr6-33140357-G-A.
Other names: c.2527C>T, p.Pro843Ser (NM_080679.3); c.2590C>T, p.Pro864Ser (NM_080681.3); short protein forms P950S, P843S, P864S.
Identifiers: ClinVar variation 356396 (VCV000356396.13), dbSNP rs768902062, ClinGen allele CA3750711.
Genomic context (GRCh38, chr6:33,172,580, plus strand): 5'-CCTCACTGACCTTTGTTCCTTCTTTTCCAGCTGTCCCAGGTAGTCCCTGCTCTCCAGGGG[G>A]CCCCGGGGGGCCTGGGTGACCTCTCTCCCCCATAGGGCCGGTTTCTCCTGCTGCTCCCTA-3'
Protein context (NP_542411.2, residues 940-960): GERGHPGPPG[Pro950Ser]PGEQGLPGTA